The following is an entry in ClinVar:

NM_004006.3(DMD):c.5684A>G (p.Asp1895Gly)

Gene: DMD (dystrophin; minus strand). Cytogenetic location: Xp21.1.
Variant type: single nucleotide variant.
Coding change: c.5684A>G on transcript NM_004006.3 (MANE Select); coding-DNA position 5684, A replaced by G.
Protein change: p.Asp1895Gly; replaces aspartic acid 1895 with glycine.
Molecular consequence: missense variant.
Genome position (GRCh38, 1-based): chrX:32,343,189, T>C on the plus strand (A>G on the coding strand, the complement: DMD is on the minus strand). VCF-style: chrX-32343189-T-C. GRCh37 (hg19) VCF-style: chrX-32361306-T-C.
Other names: c.5660A>G, p.Asp1887Gly (NM_000109.4); c.5672A>G, p.Asp1891Gly (NM_004009.3); c.5315A>G, p.Asp1772Gly (NM_004010.3); c.1661A>G, p.Asp554Gly (NM_004011.4); c.1652A>G, p.Asp551Gly (NM_004012.4); short protein forms D1772G, D1887G, D1891G, D1895G, D551G, D554G.
Identifiers: ClinVar variation 1018542 (VCV001018542.30), dbSNP rs376202643, ClinGen allele CA412665855.

ClinVar aggregate classification (germline): Uncertain significance. Review status: criteria provided, multiple submitters, no conflicts (2 of 4 stars). 4 submissions from 4 submitters: Uncertain significance (3). 1 of the submissions does not count toward it. Last evaluated 2024-01-01.

Conditions:
Duchenne muscular dystrophy (DMD). Also called: MUSCULAR DYSTROPHY, PSEUDOHYPERTROPHIC PROGRESSIVE, DUCHENNE TYPE; Duchenne Muscular Dystrophy (DMD). Identifiers: Orphanet 98896, MedGen C0013264, MONDO:0010679, OMIM 310200.
Cardiomyopathy (CMYO). Also called: Cardiomyopathies. Identifiers: Orphanet 167848, MedGen C0878544, MONDO:0004994, HP:0001638. Inheritance: Various modes of inheritance.
Dystrophin deficiency.
Becker muscular dystrophy (BMD). Also called: Becker Muscular Dystrophy (BMD); MUSCULAR DYSTROPHY, PSEUDOHYPERTROPHIC PROGRESSIVE, BECKER TYPE. Identifiers: Orphanet 98895, MedGen C0917713, MONDO:0010311, OMIM 300376.

gnomAD v4.1: 13 of 1,210,585 alleles (0.0011%); highest among the groups gnomAD compares: Non-Finnish European, 0.0012%; no homozygotes.

Submissions (4):

CeGaT Center for Human Genetics Tuebingen
Classification: Uncertain significance. Last evaluated: 2024-01-01. Review status: criteria provided, single submitter. Criteria: CeGaT Center For Human Genetics Tuebingen Variant Classification Criteria Version 2. Collection method: clinical testing. Allele origin: germline. Affected: yes. Observed: 1 variant allele.
Comment: DMD: PM2

Labcorp Genetics (formerly Invitae), Labcorp
Classification: Uncertain significance for Duchenne muscular dystrophy. Last evaluated: 2021-09-01. Review status: criteria provided, single submitter. Criteria: Invitae Variant Classification Sherloc (09022015). Collection method: clinical testing. Allele origin: germline.
Comment: This sequence change replaces aspartic acid with glycine at codon 1895 of the DMD protein (p.Asp1895Gly). The aspartic acid residue is moderately conserved and there is a moderate physicochemical difference between aspartic acid and glycine. This variant is not present in population databases (ExAC no frequency). This variant has not been reported in the literature in individuals affected with DMD-related conditions. Algorithms developed to predict the effect of missense changes on protein structure and function are either unavailable or do not agree on the potential impact of this missense change (SIFT: "Deleterious"; PolyPhen-2: "Possibly Damaging"; Align-GVGD: "Class C0"). In summary, the available evidence is currently insufficient to determine the role of this variant in disease. Therefore, it has been classified as a Variant of Uncertain Significance.

GeneDx
Classification: Uncertain significance. Last evaluated: 2019-10-29. Review status: criteria provided, single submitter. Criteria: GeneDx Variant Classification Process June 2021. Collection method: clinical testing. Allele origin: germline. Affected: yes.
Comment: Has not been previously published as pathogenic or benign to our knowledge; Not observed in large population cohorts (Lek et al., 2016); In silico analysis, which includes protein predictors and evolutionary conservation, supports a deleterious effect

Natera, Inc.
Classification: Uncertain significance for Becker muscular dystrophy; Cardiomyopathy; Duchenne muscular dystrophy; Dystrophin deficiency. Last evaluated: 2019-09-16. Review status: no assertion criteria provided. Collection method: clinical testing. Allele origin: germline. Not counted in ClinVar's aggregate classification.